The following is an entry in ClinVar:

NM_002485.5(NBN):c.1798A>G (p.Asn600Asp)

Gene: NBN (nibrin; minus strand). Cytogenetic location: 8q21.3.
Variant type: single nucleotide variant.
Coding change: c.1798A>G on transcript NM_002485.5 (MANE Select); coding-DNA position 1798, A replaced by G.
Protein change: p.Asn600Asp; replaces asparagine 600 with aspartic acid.
Molecular consequence: missense variant.
Genome position (GRCh38, 1-based): chr8:89,953,291, T>C on the plus strand (A>G on the coding strand, the complement: NBN is on the minus strand). VCF-style: chr8-89953291-T-C. GRCh37 (hg19) VCF-style: chr8-90965519-T-C.
Other names: c.1552A>G, p.Asn518Asp (NM_001024688.3); short protein forms N600D, N518D.
Identifiers: ClinVar variation 1780296 (VCV001780296.2), dbSNP rs2488228957, ClinGen allele CA371655068.

ClinVar aggregate classification (germline): Uncertain significance (1 of 4 stars; one submission).

Conditions:
Hereditary cancer-predisposing syndrome. Also called: Neoplastic Syndromes, Hereditary; Tumor predisposition; Hereditary Cancer Syndrome; Hereditary neoplastic syndrome. Identifiers: Orphanet 140162, MedGen C0027672, MeSH D009386, MONDO:0015356.

Submission:

Ambry Genetics
Classification: Uncertain significance for Hereditary cancer-predisposing syndrome. Last evaluated: 2021-02-02. Review status: criteria provided, single submitter. Criteria: Ambry Variant Classification Scheme 2023. Collection method: clinical testing. Allele origin: germline.
Comment: The p.N600D variant (also known as c.1798A>G), located in coding exon 11 of the NBN gene, results from an A to G substitution at nucleotide position 1798. The asparagine at codon 600 is replaced by aspartic acid, an amino acid with highly similar properties. This amino acid position is well conserved in available vertebrate species. In addition, this alteration is predicted to be tolerated by in silico analysis. Since supporting evidence is limited at this time, the clinical significance of this alteration remains unclear.